The following is an entry in ClinVar:

ClinVar aggregate classification (germline): Uncertain significance (1 of 4 stars; one submission).

Submission:

Ambry Genetics
Classification: Uncertain significance. Last evaluated: 2025-02-18. Review status: criteria provided, single submitter. Criteria: Ambry Variant Classification Scheme 2023. Collection method: clinical testing. Allele origin: germline.
Comment: The p.H1141R variant (also known as c.3422A>G), located in coding exon 13 of the CDK12 gene, results from an A to G substitution at nucleotide position 3422. The histidine at codon 1141 is replaced by arginine, an amino acid with highly similar properties. This amino acid position is conserved. In addition, this alteration is predicted to be tolerated by in silico analysis. Based on the available evidence, the clinical significance of this variant remains unclear.

NM_016507.4(CDK12):c.3422A>G (p.His1141Arg)

Gene: CDK12 (cyclin dependent kinase 12; plus strand). Cytogenetic location: 17q12.
Variant type: single nucleotide variant.
Coding change: c.3422A>G on transcript NM_016507.4 (MANE Select); coding-DNA position 3422, A replaced by G.
Protein change: p.His1141Arg; replaces histidine 1141 with arginine.
Molecular consequence: missense variant.
Genome position (GRCh38, 1-based): chr17:39,525,978, A>G. VCF-style: chr17-39525978-A-G. GRCh37 (hg19) VCF-style: chr17-37682231-A-G.
Other names: c.3422A>G, p.His1141Arg (NM_015083.4); short protein forms H1141R.
Identifiers: ClinVar variation 3830681 (VCV003830681.1).